The following is an entry in ClinVar:

NM_004268.5(MED17):c.790C>T (p.Gln264Ter)

Gene: MED17 (mediator complex subunit 17; plus strand). Cytogenetic location: 11q21.
Variant type: single nucleotide variant.
Coding change: c.790C>T on transcript NM_004268.5 (MANE Select); coding-DNA position 790, C replaced by T.
Protein change: p.Gln264Ter; replaces glutamine 264 with a stop codon.
Molecular consequence: nonsense.
Genome position (GRCh38, 1-based): chr11:93,793,966, C>T. VCF-style: chr11-93793966-C-T. GRCh37 (hg19) VCF-style: chr11-93527132-C-T.
Other names: short protein forms Q264*.
Identifiers: ClinVar variation 1908309 (VCV001908309.5), dbSNP rs1943871666, ClinGen allele CA382356295.

ClinVar aggregate classification (germline): Pathogenic (1 of 4 stars; one submission).

Allele frequency attached by ClinVar (database versions not stated): TOPMed below 0.00001.

Submission:

Labcorp Genetics (formerly Invitae), Labcorp
Classification: Pathogenic. Last evaluated: 2023-05-16. Review status: criteria provided, single submitter. Criteria: Invitae Variant Classification Sherloc (09022015). Collection method: clinical testing. Allele origin: germline.
Comment: For these reasons, this variant has been classified as Pathogenic. ClinVar contains an entry for this variant (Variation ID: 1908309). This variant has not been reported in the literature in individuals affected with MED17-related conditions. This variant is not present in population databases (gnomAD no frequency). This sequence change creates a premature translational stop signal (p.Gln264*) in the MED17 gene. It is expected to result in an absent or disrupted protein product. Loss-of-function variants in MED17 are known to be pathogenic (PMID: 20950787, 26004231, 30345598).

Literature cited by the submitters: PubMed 20950787; PubMed 26004231; PubMed 30345598.